The following is an entry in ClinVar:

NM_014704.4(CEP104):c.843C>T (p.Ala281=)

Gene: CEP104 (centrosomal protein 104; minus strand). Cytogenetic location: 1p36.32.
Variant type: single nucleotide variant.
Coding change: c.843C>T on transcript NM_014704.4 (MANE Select); coding-DNA position 843, C replaced by T.
Protein change: p.Ala281=; no amino-acid change (alanine 281 retained).
Molecular consequence: synonymous variant.
Genome position (GRCh38, 1-based): chr1:3,839,012, G>A on the plus strand (C>T on the coding strand, the complement: CEP104 is on the minus strand). VCF-style: chr1-3839012-G-A. GRCh37 (hg19) VCF-style: chr1-3755576-G-A.
Identifiers: ClinVar variation 1196536 (VCV001196536.10), dbSNP rs150027992, ClinGen allele CA551799.

ClinVar aggregate classification (germline): Likely benign. Review status: criteria provided, multiple submitters, no conflicts (2 of 4 stars). 4 submissions from 4 submitters: Likely benign (3). 1 of the submissions does not count toward it. Last evaluated 2026-02-02.

Conditions:
Joubert syndrome 25 (JBTS25). Identifiers: Orphanet 475, MedGen C4084842, MONDO:0014770, OMIM 616781.
CEP104-related disorder. Also called: CEP104-related condition.

Allele frequency attached by ClinVar (database versions not stated): gnomAD exomes 0.00004 and 0.00013; ExAC 0.00020; gnomAD 0.00046 and 0.00047; TOPMed 0.00047; ESP Exome Variant Server 0.00069; 1000 Genomes Project 30x 0.00078; 1000 Genomes Project 0.00080.
gnomAD v4.1: 129 of 1,614,084 alleles (0.008%); highest among the groups gnomAD compares: African/African-American, 0.14%; no homozygotes.

Submissions (4):

Labcorp Genetics (formerly Invitae), Labcorp
Classification: Likely benign for Joubert syndrome 25. Last evaluated: 2026-02-02. Review status: criteria provided, single submitter. Criteria: Invitae Variant Classification Sherloc (09022015). Collection method: clinical testing. Allele origin: germline.

Blueprint Genetics
Classification: Likely benign. Last evaluated: 2024-09-18. Review status: criteria provided, single submitter. Criteria: ACMG Guidelines, 2015. Collection method: clinical testing. Allele origin: germline.

GeneDx
Classification: Likely benign. Last evaluated: 2020-04-15. Review status: criteria provided, single submitter. Criteria: GeneDx Variant Classification Process June 2021. Collection method: clinical testing. Allele origin: germline. Affected: yes.

PreventionGenetics, part of Exact Sciences
Classification: Likely benign for CEP104-related condition. Last evaluated: 2019-07-12. Review status: no assertion criteria provided. Collection method: clinical testing. Allele origin: germline. Not counted in ClinVar's aggregate classification.
Comment: This variant is classified as likely benign based on ACMG/AMP sequence variant interpretation guidelines (Richards et al. 2015 PMID: 25741868, with internal and published modifications).